The following is an entry in ClinVar:

NM_020738.4(KIDINS220):c.801+9T>C

Gene: KIDINS220 (kinase D interacting substrate 220; minus strand). Cytogenetic location: 2p25.1.
Variant type: single nucleotide variant.
Coding change: c.801+9T>C on transcript NM_020738.4 (MANE Select); 9 bases into the intron after coding-DNA position 801, T replaced by C.
Genome position (GRCh38, 1-based): chr2:8,802,921, A>G on the plus strand (T>C on the coding strand, the complement: KIDINS220 is on the minus strand). VCF-style: chr2-8802921-A-G. GRCh37 (hg19) VCF-style: chr2-8943051-A-G.
Other names: c.801+9T>C (NM_001348741.2, NM_001348738.2, NM_001348742.2 and 3 more transcripts); c.804+9T>C (NM_001348739.2, NM_001348740.2, NM_001348734.2 and 3 more transcripts); c.675+9T>C (NM_001348736.2).
Identifiers: ClinVar variation 717677 (VCV000717677.10), dbSNP rs374732444, ClinGen allele CA1520347.

ClinVar aggregate classification (germline): Likely benign. Review status: criteria provided, single submitter (1 of 4 stars). 2 submissions from 2 submitters: Likely benign (1). 1 of the submissions does not count toward it. Last evaluated 2025-12-09.

Conditions:
KIDINS220-related disorder. Also called: KIDINS220-related condition.

Allele frequency attached by ClinVar (database versions not stated): ExAC 0.00006; gnomAD exomes 0.00006 and 0.00018; ESP Exome Variant Server 0.00008; gnomAD 0.00009; TOPMed 0.00011.
gnomAD v4.1: 302 of 1,611,822 alleles (0.019%); highest among the groups gnomAD compares: Non-Finnish European, 0.023%; no homozygotes.

Submissions (2):

Labcorp Genetics (formerly Invitae), Labcorp
Classification: Likely benign. Last evaluated: 2025-12-09. Review status: criteria provided, single submitter. Criteria: Invitae Variant Classification Sherloc (09022015). Collection method: clinical testing. Allele origin: germline.

PreventionGenetics, part of Exact Sciences
Classification: Likely benign for KIDINS220-related condition. Last evaluated: 2022-07-20. Review status: no assertion criteria provided. Collection method: clinical testing. Allele origin: germline. Not counted in ClinVar's aggregate classification.
Comment: This variant is classified as likely benign based on ACMG/AMP sequence variant interpretation guidelines (Richards et al. 2015 PMID: 25741868, with internal and published modifications).